The following is an entry in ClinVar:

ClinVar aggregate classification (germline): Benign (1 of 4 stars; one submission).

Allele frequency attached by ClinVar (database versions not stated): gnomAD exomes 0.00220; gnomAD 0.02334 and 0.02506; TOPMed 0.02678; 1000 Genomes Project 0.02736; 1000 Genomes Project 30x 0.03154.
gnomAD v4.1: 4,425 of 539,036 alleles (0.82%); highest among the groups gnomAD compares: African/African-American, 7.9%; 183 homozygotes.

Submission:

GeneDx
Classification: Benign. Last evaluated: 2018-06-18. Review status: criteria provided, single submitter. Criteria: GeneDx Variant Classification (06012015). Collection method: clinical testing. Allele origin: germline. Affected: yes.
Comment: This variant is considered likely benign or benign based on one or more of the following criteria: it is a conservative change, it occurs at a poorly conserved position in the protein, it is predicted to be benign by multiple in silico algorithms, and/or has population frequency not consistent with disease.

NM_001035.3(RYR2):c.8515-150A>G

Gene: RYR2 (ryanodine receptor 2; plus strand). Cytogenetic location: 1q43.
Variant type: single nucleotide variant.
Coding change: c.8515-150A>G on transcript NM_001035.3 (MANE Select); 150 bases into the intron before coding-DNA position 8515, A replaced by G.
Molecular consequence: intron variant.
Genome position (GRCh38, 1-based): chr1:237,667,733, A>G. VCF-style: chr1-237667733-A-G. GRCh37 (hg19) VCF-style: chr1-237831033-A-G.
Identifiers: ClinVar variation 672922 (VCV000672922.1), dbSNP rs78091802, ClinGen allele CA39813794.